The following is an entry in ClinVar:

NM_015884.4(MBTPS2):c.546A>G (p.Glu182=)

Gene: MBTPS2 (membrane bound transcription factor peptidase, site 2; plus strand). Cytogenetic location: Xp22.12.
Variant type: single nucleotide variant.
Coding change: c.546A>G on transcript NM_015884.4 (MANE Select); coding-DNA position 546, A replaced by G.
Protein change: p.Glu182=; no amino-acid change (glutamic acid 182 retained).
Molecular consequence: synonymous variant.
Genome position (GRCh38, 1-based): chrX:21,853,379, A>G. VCF-style: chrX-21853379-A-G. GRCh37 (hg19) VCF-style: chrX-21871497-A-G.
Identifiers: ClinVar variation 756597 (VCV000756597.9), dbSNP rs369612671, ClinGen allele CA10367388.

ClinVar aggregate classification (germline): Likely benign. Review status: criteria provided, multiple submitters, no conflicts (2 of 4 stars). 2 submissions from 2 submitters: Likely benign (2). Last evaluated 2025-12-10.

Conditions:
MBTPS2-related disorder. Also called: MBTPS2-related condition.

Allele frequency attached by ClinVar (database versions not stated): ExAC 0.00001; gnomAD exomes 0.00001 and 0.00002; ESP Exome Variant Server 0.00009; gnomAD 0.00015; TOPMed 0.00031.
gnomAD v4.1: 34 of 1,193,688 alleles (0.0028%); highest among the groups gnomAD compares: Admixed American, 0.055%; no homozygotes.

Submissions (2):

Labcorp Genetics (formerly Invitae), Labcorp
Classification: Likely benign. Last evaluated: 2025-12-10. Review status: criteria provided, single submitter. Criteria: Invitae Variant Classification Sherloc (09022015). Collection method: clinical testing. Allele origin: germline.

PreventionGenetics, part of Exact Sciences
Classification: Likely benign for MBTPS2-related condition. Last evaluated: 2025-09-15. Review status: criteria provided, single submitter. Criteria: ACMG Guidelines, 2015. Collection method: clinical testing. Allele origin: germline.
Comment: This variant is classified as likely benign based on ACMG/AMP sequence variant interpretation guidelines (Richards et al. 2015 PMID: 25741868, with internal and published modifications).